The following is an entry in ClinVar:

ClinVar aggregate classification (germline): Uncertain significance (1 of 4 stars; one submission).

Conditions:
Spermatogenic failure 18. Identifiers: MedGen C4539783, MONDO:0054615, OMIM 617576.
Ciliary dyskinesia, primary, 37 (CILD37). Also called: CILIARY DYSKINESIA, PRIMARY, 37, WITH OR WITHOUT SITUS INVERSUS. Identifiers: MedGen C4539798, MONDO:0033204, OMIM 617577.

Allele frequency attached by ClinVar (database versions not stated): TOPMed 0.00015; gnomAD 0.00016 and 0.00017; ESP Exome Variant Server 0.00024.
gnomAD v4.1: 333 of 1,607,776 alleles (0.021%); highest among the groups gnomAD compares: Non-Finnish European, 0.021%; no homozygotes.

Submission:

Labcorp Genetics (formerly Invitae), Labcorp
Classification: Uncertain significance for Ciliary dyskinesia, primary, 37; Spermatogenic failure 18. Last evaluated: 2025-01-13. Review status: criteria provided, single submitter. Criteria: Invitae Variant Classification Sherloc (09022015). Collection method: clinical testing. Allele origin: germline.
Comment: This sequence change replaces aspartic acid, which is acidic and polar, with tyrosine, which is neutral and polar, at codon 2152 of the DNAH1 protein (p.Asp2152Tyr). This variant is present in population databases (rs375219203, gnomAD 0.2%). This variant has not been reported in the literature in individuals affected with DNAH1-related conditions. ClinVar contains an entry for this variant (Variation ID: 659087). Invitae Evidence Modeling of protein sequence and biophysical properties (such as structural, functional, and spatial information, amino acid conservation, physicochemical variation, residue mobility, and thermodynamic stability) indicates that this missense variant is expected to disrupt DNAH1 protein function with a positive predictive value of 80%. Algorithms developed to predict the effect of sequence changes on RNA splicing suggest that this variant may create or strengthen a splice site. In summary, the available evidence is currently insufficient to determine the role of this variant in disease. Therefore, it has been classified as a Variant of Uncertain Significance.

NM_015512.5(DNAH1):c.6454G>T (p.Asp2152Tyr)

Gene: DNAH1 (dynein axonemal heavy chain 1; plus strand). Cytogenetic location: 3p21.1.
Variant type: single nucleotide variant.
Coding change: c.6454G>T on transcript NM_015512.5 (MANE Select); coding-DNA position 6454, G replaced by T.
Protein change: p.Asp2152Tyr; replaces aspartic acid 2152 with tyrosine.
Molecular consequence: missense variant.
Genome position (GRCh38, 1-based): chr3:52,370,754, G>T. VCF-style: chr3-52370754-G-T. GRCh37 (hg19) VCF-style: chr3-52404770-G-T.
Other names: short protein forms D2152Y.
Identifiers: ClinVar variation 659087 (VCV000659087.4), dbSNP rs375219203, ClinGen allele CA2434522.